The following is an entry in ClinVar:

NM_005419.4(STAT2):c.556C>T (p.Pro186Ser)

Gene: STAT2 (signal transducer and activator of transcription 2; minus strand). Cytogenetic location: 12q13.3.
Variant type: single nucleotide variant.
Coding change: c.556C>T on transcript NM_005419.4 (MANE Select); coding-DNA position 556, C replaced by T.
Protein change: p.Pro186Ser; replaces proline 186 with serine.
Molecular consequence: missense variant.
Genome position (GRCh38, 1-based): chr12:56,354,855, G>A on the plus strand (C>T on the coding strand, the complement: STAT2 is on the minus strand). VCF-style: chr12-56354855-G-A. GRCh37 (hg19) VCF-style: chr12-56748639-G-A.
Other names: c.544C>T, p.Pro182Ser (NM_001385110.1, NM_001385115.1, NM_198332.2); c.556C>T, p.Pro186Ser (NM_001385111.1, NM_001385113.1, NM_001385114.1); short protein forms P186S, P182S.
Identifiers: ClinVar variation 1895717 (VCV001895717.3), dbSNP rs545381204, ClinGen allele CA237654809.

ClinVar aggregate classification (germline): Uncertain significance (1 of 4 stars; one submission).

Conditions:
Primary immunodeficiency with post-measles-mumps-rubella vaccine viral infection. Also called: Immunodeficiency 44. Identifiers: Orphanet 431166, MedGen C4225260, MONDO:0014715, OMIM 616636.

Allele frequency attached by ClinVar (database versions not stated): gnomAD exomes 0.00001.

Submission:

Labcorp Genetics (formerly Invitae), Labcorp
Classification: Uncertain significance for Primary immunodeficiency with post-measles-mumps-rubella vaccine viral infection. Last evaluated: 2023-10-13. Review status: criteria provided, single submitter. Criteria: Invitae Variant Classification Sherloc (09022015). Collection method: clinical testing. Allele origin: germline.
Comment: This sequence change replaces proline, which is neutral and non-polar, with serine, which is neutral and polar, at codon 186 of the STAT2 protein (p.Pro186Ser). This variant is not present in population databases (gnomAD no frequency). This variant has not been reported in the literature in individuals affected with STAT2-related conditions. ClinVar contains an entry for this variant (Variation ID: 1895717). Advanced modeling of protein sequence and biophysical properties (such as structural, functional, and spatial information, amino acid conservation, physicochemical variation, residue mobility, and thermodynamic stability) performed at Invitae indicates that this missense variant is not expected to disrupt STAT2 protein function. In summary, the available evidence is currently insufficient to determine the role of this variant in disease. Therefore, it has been classified as a Variant of Uncertain Significance.